The following is an entry in ClinVar:

ClinVar aggregate classification (germline): Pathogenic. Review status: criteria provided, multiple submitters, no conflicts (2 of 4 stars). 2 submissions from 2 submitters: Pathogenic (2). Last evaluated 2025-12-13.

Conditions:
Cardiovascular phenotype. Identifiers: MedGen CN230736.
Hereditary cancer-predisposing syndrome. Also called: Neoplastic Syndromes, Hereditary; Tumor predisposition; Hereditary Cancer Syndrome; Hereditary neoplastic syndrome. Identifiers: Orphanet 140162, MedGen C0027672, MeSH D009386, MONDO:0015356.
Neurofibromatosis, type 1 (NF1). Also called: VON RECKLINGHAUSEN DISEASE; NEUROFIBROMATOSIS, TYPE I, SOMATIC; Neurofibromatosis, type I; Peripheral type neurofibromatosis. Identifiers: Orphanet 636, MedGen C0027831, MONDO:0018975, OMIM 162200. Disease mechanism: loss of function.

Submissions (2):

Labcorp Genetics (formerly Invitae), Labcorp
Classification: Pathogenic for Neurofibromatosis, type 1. Last evaluated: 2025-12-13. Review status: criteria provided, single submitter. Criteria: Invitae Variant Classification Sherloc (09022015). Collection method: clinical testing. Allele origin: germline.
Comment: This sequence change creates a premature translational stop signal (p.Lys1036Asnfs*7) in the NF1 gene. It is expected to result in an absent or disrupted protein product. Loss-of-function variants in NF1 are known to be pathogenic (PMID: 10712197, 23913538). This variant is not present in population databases (gnomAD no frequency). This variant has not been reported in the literature in individuals affected with NF1-related conditions. ClinVar contains an entry for this variant (Variation ID: 1727712). For these reasons, this variant has been classified as Pathogenic.

Ambry Genetics
Classification: Pathogenic for Cardiovascular phenotype; Hereditary cancer-predisposing syndrome. Last evaluated: 2018-01-10. Review status: criteria provided, single submitter. Criteria: Ambry Variant Classification Scheme 2023. Collection method: clinical testing. Allele origin: germline.
Comment: The c.3108delA pathogenic mutation, located in coding exon 23 of the NF1 gene, results from a deletion of one nucleotide at nucleotide position 3108, causing a translational frameshift with a predicted alternate stop codon (p.K1036Nfs*7). This alteration is expected to result in loss of function by premature protein truncation or nonsense-mediated mRNA decay. As such, this alteration is interpreted as a disease-causing mutation.

Literature cited by the submitters: PubMed 10712197 (cited by Labcorp Genetics (formerly Invitae), Labcorp); PubMed 23913538 (cited by Labcorp Genetics (formerly Invitae), Labcorp).

NM_001042492.3(NF1):c.3108del (p.Lys1036fs)

Gene: NF1 (neurofibromin 1; plus strand). Cytogenetic location: 17q11.2.
Variant type: Deletion.
Coding change: c.3108del on transcript NM_001042492.3 (MANE Select); coding-DNA position 3108, one base deleted (A; older notation c.3108delA).
Protein change: p.Lys1036fs; shifts the reading frame from lysine 1036.
Molecular consequence: frameshift variant.
Genome position (GRCh38, 1-based): chr17:31,230,377, A deleted; the last of 3 consecutive A bases (chr17:31,230,375-31,230,377); deleting any one gives the same sequence. VCF-style (leftmost placement, unchanged base first): chr17-31230374-GA-G. GRCh37 (hg19) VCF-style: chr17-29557392-GA-G.
Other names: c.3108delA (NM_000267.3); c.3108delA, p.Lys1036Asnfs (NM_000267.4); short protein forms K1036fs.
Identifiers: ClinVar variation 1727712 (VCV001727712.7), dbSNP rs2508207281, ClinGen allele CA2580092844.